The following is an entry in ClinVar:

NM_001170629.2(CHD8):c.5324G>A (p.Arg1775Gln)

Gene: CHD8 (chromodomain helicase DNA binding protein 8; minus strand). Cytogenetic location: 14q11.2.
Variant type: single nucleotide variant.
Coding change: c.5324G>A on transcript NM_001170629.2 (MANE Select); coding-DNA position 5324, G replaced by A.
Protein change: p.Arg1775Gln; replaces arginine 1775 with glutamine.
Molecular consequence: missense variant.
Genome position (GRCh38, 1-based): chr14:21,394,978, C>T on the plus strand (G>A on the coding strand, the complement: CHD8 is on the minus strand). VCF-style: chr14-21394978-C-T. GRCh37 (hg19) VCF-style: chr14-21863137-C-T.
Other names: c.4487G>A, p.Arg1496Gln (NM_020920.4); short protein forms R1496Q, R1775Q.
Identifiers: ClinVar variation 422576 (VCV000422576.3), dbSNP rs757486587, ClinGen allele CA7090990.

ClinVar aggregate classification (germline): Uncertain significance. Review status: criteria provided, multiple submitters, no conflicts (2 of 4 stars). 2 submissions from 2 submitters: Uncertain significance (2). Last evaluated 2024-12-31.

Conditions:
CHD8-related disorder. Also called: CHD8-related condition; CHD8-related disorders.

Allele frequency attached by ClinVar (database versions not stated): gnomAD 0.00001; gnomAD exomes 0.00001 and 0.00003; ExAC 0.00002; TOPMed 0.00002.
gnomAD v4.1: 21 of 1,613,912 alleles (0.0013%); highest among the groups gnomAD compares: South Asian, 0.0033%; no homozygotes.

Submissions (2):

PreventionGenetics, part of Exact Sciences
Classification: Uncertain significance for CHD8-related condition. Last evaluated: 2024-12-31. Review status: criteria provided, single submitter. Criteria: ACMG Guidelines, 2015. Collection method: clinical testing. Allele origin: germline.
Comment: The CHD8 c.5324G>A variant is predicted to result in the amino acid substitution p.Arg1775Gln. To our knowledge, this variant has not been reported in the literature. This variant is reported in 0.0065% of alleles in individuals of South Asian descent in gnomAD. At this time, the clinical significance of this variant is uncertain due to the absence of conclusive functional and genetic evidence.

GeneDx
Classification: Uncertain significance. Last evaluated: 2016-10-31. Review status: criteria provided, single submitter. Criteria: GeneDx Variant Classification (06012015). Collection method: clinical testing. Allele origin: germline. Affected: yes.
Comment: A variant of uncertain significance has been identified in the CHD8 gene. The R1775Q variant has not been published as a pathogenic variant, nor has it been reported as a benign variant to our knowledge. It was not observed in approximately 6,100 individuals of European and African American ancestry in the NHLBI Exome Sequencing Project, indicating it is not a common benign variant in these populations. This substitution occurs at a position where amino acids with similar properties to Arginine are tolerated across species. However, the R1775Q variant is a semi-conservative amino acid substitution, which may impact secondary protein structure as these residues differ in some properties. Additionally, in silico analysis is inconsistent in its predictions as to whether or not the variant is damaging to the protein structure/function. Therefore, based on the currently available information, it is unclear whether the R1775Q variant is a pathogenic variant or a rare benign variant.